The following is an entry in ClinVar:

ClinVar aggregate classification (germline): Pathogenic (1 of 4 stars; one submission).

Conditions:
Hereditary cancer-predisposing syndrome. Also called: Hereditary neoplastic syndrome; Hereditary Cancer Syndrome; Neoplastic Syndromes, Hereditary; Tumor predisposition. Identifiers: Orphanet 140162, MedGen C0027672, MeSH D009386, MONDO:0015356.

Submission:

Ambry Genetics
Classification: Pathogenic for Hereditary cancer-predisposing syndrome. Last evaluated: 2023-05-20. Review status: criteria provided, single submitter. Criteria: Ambry Variant Classification Scheme 2023. Collection method: clinical testing. Allele origin: germline.
Comment: The c.493delC pathogenic mutation, located in coding exon 5 of the NF2 gene, results from a deletion of one nucleotide at nucleotide position 493, causing a translational frameshift with a predicted alternate stop codon (p.Q165Kfs*9). This variant is considered to be rare based on population cohorts in the Genome Aggregation Database (gnomAD). This alteration is expected to result in loss of function by premature protein truncation or nonsense-mediated mRNA decay. As such, this alteration is interpreted as a disease-causing mutation.

NM_000268.4(NF2):c.493del (p.Gln165fs)

Gene: NF2 (NF2, moesin-ezrin-radixin like (MERLIN) tumor suppressor; plus strand). Cytogenetic location: 22q12.2.
Variant type: Deletion.
Coding change: c.493del on transcript NM_000268.4 (MANE Select); coding-DNA position 493, one base deleted (C; older notation c.493delC).
Protein change: p.Gln165fs; shifts the reading frame from glutamine 165.
Molecular consequence: frameshift variant. On other transcripts: 5 prime UTR variant (1), intron variant (1).
Genome position (GRCh38, 1-based): chr22:29,654,702, C deleted; the last of 3 consecutive C bases (chr22:29,654,700-29,654,702); deleting any one gives the same sequence. VCF-style (leftmost placement, unchanged base first): chr22-29654699-GC-G. GRCh37 (hg19) VCF-style: chr22-30050688-GC-G.
Other names: c.379del, p.Gln127fs (NM_001407053.1, NM_001407056.1); c.370del, p.Gln124fs (NM_001407054.1, NM_001407058.1, NM_001407062.1 and 1 more transcripts); c.367del, p.Gln123fs (NM_001407055.1, NM_181828.3); c.493del, p.Gln165fs (NM_001407057.1, NM_001407059.1, NM_001407060.1 and 4 more transcripts); c.244del, p.Gln82fs (NM_001407063.1, NM_001407064.1, NM_181830.3 and 1 more transcripts); c.-148del (NM_001407065.1); c.262del, p.Gln88fs (NM_001407067.1); c.447+12417del (NM_181833.3); short protein forms Q165fs, Q127fs, Q123fs, Q82fs, Q124fs, Q88fs.
Identifiers: ClinVar variation 2568071 (VCV002568071.2), dbSNP rs2518546071, ClinGen allele CA514181653.
Genomic context (GRCh38, chr22:29,654,699, plus strand): 5'-TCCCTTTCTTCTTTCCAGTATGGTGACTACGACCCCAGTGTTCACAAGCGGGGATTTTTG[GC>G]CCAAGAGGAATTGCTTCCAAAAAGGGTAAGAGATTAAATTCCCTTTTCAGGAAGACATAG-3'